The following is an entry in ClinVar:

ClinVar aggregate classification (germline): Conflicting classifications of pathogenicity. Review status: criteria provided, conflicting classifications (1 of 4 stars). 3 submissions from 3 submitters: Likely pathogenic (1); Uncertain significance (1); Likely benign (1). Last evaluated 2026-01-19.

Conditions:
Anemia, nonspherocytic hemolytic, due to G6PD deficiency (CNSHA1). Also called: ANEMIA, CONGENITAL, NONSPHEROCYTIC HEMOLYTIC, 1; Hemolytic anemia due to G6PD deficiency; Class I glucose-6-phosphate dehydrogenase deficiency; Favism, susceptibility to. Identifiers: Orphanet 466026, MedGen C2720289, MONDO:0010480, OMIM 300908.

gnomAD v4.1: 36 of 1,210,012 alleles (0.003%); highest among the groups gnomAD compares: Admixed American, 0.076%; no homozygotes.

Submissions (6):

Labcorp Genetics (formerly Invitae), Labcorp
Classification: Likely benign for Anemia, nonspherocytic hemolytic, due to G6PD deficiency. Last evaluated: 2026-01-19. Review status: criteria provided, single submitter. Criteria: Invitae Variant Classification Sherloc (09022015). Collection method: clinical testing. Allele origin: germline.

Revvity Omics, Revvity
Classification: Uncertain significance for Anemia, nonspherocytic hemolytic, due to G6PD deficiency. Last evaluated: 2025-01-15. Review status: criteria provided, single submitter. Criteria: ACMG Guidelines, 2015. Collection method: clinical testing. Allele origin: germline.

Dunham Lab, University of Washington
Classification: Likely pathogenic for Anemia, nonspherocytic hemolytic, due to G6PD deficiency. Last evaluated: 2022-08-12. Review status: criteria provided, single submitter. Criteria: Bayesian ACMG Guidelines, 2018. Collection method: curation. Allele origin: unknown. Affected: yes.
Comment: Decreased activity in red blood cells of hemizygote (47%) (PS3). Below expected carrier frequency in gnomAD (PM2). Post_P 0.949 (odds of pathogenicity 168.4, Prior_P 0.1).

Dr. Peter K. Rogan Lab, Western University
No classification provided (evidence only). Condition: Thyroid cancer, nonmedullary, 1. Review status: no classification provided. Collection method: in vitro. Allele origin: not applicable. Functional consequence: retained intron. Not counted in ClinVar's aggregate classification.

Dr. Peter K. Rogan Lab, Western University
No classification provided (evidence only). Condition: Ovarian serous cystadenocarcinoma. Review status: no classification provided. Collection method: in vitro. Allele origin: not applicable. Functional consequence: retained intron. Not counted in ClinVar's aggregate classification.

Dr. Peter K. Rogan Lab, Western University
No classification provided (evidence only). Condition: Ovarian serous cystadenocarcinoma. Review status: no classification provided. Collection method: in vitro. Allele origin: not applicable. Functional consequence: retained intron. Not counted in ClinVar's aggregate classification.

Literature cited by the submitters: PubMed 12850494 (cited by Dunham Lab, University of Washington).

NM_001360016.2(G6PD):c.376A>T (p.Asn126Tyr)

Gene: G6PD (glucose-6-phosphate dehydrogenase; minus strand). Cytogenetic location: Xq28.
Variant type: single nucleotide variant.
Coding change: c.376A>T on transcript NM_001360016.2 (MANE Select); coding-DNA position 376, A replaced by T.
Protein change: p.Asn126Tyr; replaces asparagine 126 with tyrosine.
Molecular consequence: missense variant.
Genome position (GRCh38, 1-based): chrX:154,535,277, T>A on the plus strand (A>T on the coding strand, the complement: G6PD is on the minus strand). VCF-style: chrX-154535277-T-A. GRCh37 (hg19) VCF-style: chrX-153763492-T-A.
Other names: G6PD San Luis Potosi; c.466A>T, p.Asn156Tyr (NM_000402.4); c.376A>T, p.Asn126Tyr (NM_001042351.3); short protein forms N126Y, N156Y.
Identifiers: ClinVar variation 1546331 (VCV001546331.13), dbSNP rs1050829, ClinGen allele CA10566254.